The following is an entry in ClinVar:

ClinVar aggregate classification (germline): Uncertain significance (1 of 4 stars; one submission).

Submission:

Labcorp Genetics (formerly Invitae), Labcorp
Classification: Uncertain significance. Last evaluated: 2023-08-24. Review status: criteria provided, single submitter. Criteria: Invitae Variant Classification Sherloc (09022015). Collection method: clinical testing. Allele origin: germline.
Comment: This sequence change replaces aspartic acid, which is acidic and polar, with glutamic acid, which is acidic and polar, at codon 117 of the NBAS protein (p.Asp117Glu). In summary, the available evidence is currently insufficient to determine the role of this variant in disease. Therefore, it has been classified as a Variant of Uncertain Significance. Advanced modeling of protein sequence and biophysical properties (such as structural, functional, and spatial information, amino acid conservation, physicochemical variation, residue mobility, and thermodynamic stability) performed at Invitae indicates that this missense variant is not expected to disrupt NBAS protein function. ClinVar contains an entry for this variant (Variation ID: 1419475). This variant has not been reported in the literature in individuals affected with NBAS-related conditions. This variant is not present in population databases (gnomAD no frequency).

NM_015909.4(NBAS):c.351T>G (p.Asp117Glu)

Gene: NBAS (NBAS subunit of NRZ tethering complex; minus strand). Cytogenetic location: 2p24.3.
Variant type: single nucleotide variant.
Coding change: c.351T>G on transcript NM_015909.4 (MANE Select); coding-DNA position 351, T replaced by G.
Protein change: p.Asp117Glu; replaces aspartic acid 117 with glutamic acid.
Molecular consequence: missense variant. On other transcripts: non-coding transcript variant (1).
Genome position (GRCh38, 1-based): chr2:15,551,521, A>C on the plus strand (T>G on the coding strand, the complement: NBAS is on the minus strand). VCF-style: chr2-15551521-A-C. GRCh37 (hg19) VCF-style: chr2-15691645-A-C.
Other names: short protein forms D117E.
Identifiers: ClinVar variation 1419475 (VCV001419475.6), dbSNP rs2148709389, ClinGen allele CA345892514.
Genomic context (GRCh38, chr2:15,551,521, plus strand): 5'-TTTCATTCTTTAAATATTTTGGAAACTCTTACCTTGACATTTCCCAATAATGGATGTAAA[A>C]TCATCTTTTGCAGACCTGTAAAACATGCAAAATCAAGGCAAAAGTTTTATCGTAACACTG-3'
Protein context (NP_056993.2, residues 107-127): QCVEIRSAKD[Asp117Glu]FTSIIGKCQV